The following is an entry in ClinVar:

ClinVar aggregate classification (germline): Uncertain significance (1 of 4 stars; one submission).

Allele frequency attached by ClinVar (database versions not stated): gnomAD 0.00001; TOPMed 0.00004; ExAC 0.00006; gnomAD exomes 0.00006.
gnomAD v4.1: 16 of 1,613,788 alleles (0.00099%); highest among the groups gnomAD compares: Admixed American, 0.023%; no homozygotes.

Submission:

Labcorp Genetics (formerly Invitae), Labcorp
Classification: Uncertain significance. Last evaluated: 2025-11-24. Review status: criteria provided, single submitter. Criteria: Invitae Variant Classification Sherloc (09022015). Collection method: clinical testing. Allele origin: germline.
Comment: This sequence change falls in intron 26 of the DUOX2 gene. It does not directly change the encoded amino acid sequence of the DUOX2 protein. It affects a nucleotide within the consensus splice site. This variant is present in population databases (rs754214422, gnomAD 0.04%). This variant has not been reported in the literature in individuals affected with DUOX2-related conditions. ClinVar contains an entry for this variant (Variation ID: 1398225). Variants that disrupt the consensus splice site are a relatively common cause of aberrant splicing (PMID: 17576681, 9536098). Algorithms developed to predict the effect of sequence changes on RNA splicing suggest that this variant may disrupt the consensus splice site. In summary, the available evidence is currently insufficient to determine the role of this variant in disease. Therefore, it has been classified as a Variant of Uncertain Significance.

Literature cited by the submitters: PubMed 17576681; PubMed 9536098.

NM_001363711.2(DUOX2):c.3516-3C>A

Gene: DUOX2 (dual oxidase 2; minus strand). Cytogenetic location: 15q21.1.
Variant type: single nucleotide variant.
Coding change: c.3516-3C>A on transcript NM_001363711.2 (MANE Select); 3 bases into the intron before coding-DNA position 3516, C replaced by A.
Molecular consequence: intron variant.
Genome position (GRCh38, 1-based): chr15:45,098,061, G>T on the plus strand (C>A on the coding strand, the complement: DUOX2 is on the minus strand). VCF-style: chr15-45098061-G-T. GRCh37 (hg19) VCF-style: chr15-45390259-G-T.
Other names: c.3516-3C>A (NM_014080.5).
Identifiers: ClinVar variation 1398225 (VCV001398225.6), dbSNP rs754214422, ClinGen allele CA7537840.
Genomic context (GRCh38, chr15:45,098,061, plus strand): 5'-TTTCCTACCTGGGACGGTCTGGAAGAACCACCAATAGAACTTCTGGGGAAGCTTGGACCT[G>T]GGGGGCAAAGGCACCTTGAGCCTCTGACTGGGGCAGGAGGGGCTCCAGCACTGTCACAAC-3'